The following is an entry in ClinVar:

ClinVar aggregate classification (germline): Uncertain significance (1 of 4 stars; one submission).

Conditions:
Loeys-Dietz syndrome (LDS). Identifiers: Orphanet 60030, MedGen C2697932, MONDO:0018954.

Allele frequency attached by ClinVar (database versions not stated): gnomAD exomes below 0.00001; TOPMed 0.00001.
gnomAD v4.1: 3 of 1,613,556 alleles (0.00019%); highest among the groups gnomAD compares: South Asian, 0.0011%; no homozygotes.

Submission:

All of Us Research Program, National Institutes of Health
Classification: Uncertain significance for Loeys-Dietz syndrome. Last evaluated: 2023-10-23. Review status: criteria provided, single submitter. Criteria: ACMG Guidelines, 2015. Collection method: clinical testing. Allele origin: germline. Inheritance: Autosomal dominant inheritance. Observed: 2 variant alleles, 2 heterozygotes.
Comment: This variant causes a G to A nucleotide substitution at the -15 position of intron 2 of the TGFBR1 gene. Splice site prediction tools predict that this variant may have a significant impact on RNA splicing. To our knowledge, RNA studies have not been reported for this variant. This variant has not been reported in individuals affected with TGFBR1-related disorders in the literature. This variant has not been identified in the general population by the Genome Aggregation Database (gnomAD). The available evidence is insufficient to determine the role of this variant in disease conclusively. Therefore, this variant is classified as a Variant of Uncertain Significance.

This study involves interpretation of variants in research participants for the purpose of population health screening. Participant phenotype was not available at the time of variant classification. Additional details can be found in publication PMID: 35346344, PMCID: PMC8962531

NM_004612.4(TGFBR1):c.344-15G>A

Gene: TGFBR1 (transforming growth factor beta receptor 1; plus strand). Cytogenetic location: 9q22.33.
Variant type: single nucleotide variant.
Coding change: c.344-15G>A on transcript NM_004612.4 (MANE Select); 15 bases into the intron before coding-DNA position 344, G replaced by A.
Molecular consequence: intron variant.
Genome position (GRCh38, 1-based): chr9:99,132,494, G>A. VCF-style: chr9-99132494-G-A. GRCh37 (hg19) VCF-style: chr9-101894776-G-A.
Other names: c.137-3G>A (NM_001407418.1, NM_001407419.1, NM_001407422.1 and 1 more transcripts); c.137-15G>A (NM_001407423.1, NM_001407424.1, NM_001407425.1 and 8 more transcripts); c.344-3G>A (NM_001306210.2, NM_001407416.1); c.344-15G>A (NM_001407417.1, NM_001407435.1); c.343+3394G>A (NM_001130916.3); c.98-15G>A (NM_001407436.1); c.98-5365G>A (NM_001407438.1); c.98-10042G>A (NM_001407437.1).
Identifiers: ClinVar variation 3071069 (VCV003071069.1), dbSNP rs899517379, ClinGen allele CA196885396.